The following is an entry in ClinVar:

ClinVar aggregate classification (germline): Uncertain significance. Review status: criteria provided, multiple submitters, no conflicts (2 of 4 stars). 3 submissions from 3 submitters: Uncertain significance (2). 1 of the submissions does not count toward it. Last evaluated 2025-06-16.

Conditions:
CFTR-related disorder (CFTR-RD). Also called: CFTR-related disorders; CFTR-related condition. Identifiers: MedGen C5924204, MONDO:7770004.
Cystic fibrosis (CF). Also called: MUCOVISCIDOSIS. Identifiers: Orphanet 586, MedGen C0010674, MONDO:0009061, OMIM 219700. Disease mechanism: loss of function.

Allele frequency attached by ClinVar (database versions not stated): gnomAD exomes below 0.00001 and 0.00001; ExAC 0.00001.
gnomAD v4.1: 3 of 1,541,516 alleles (0.00019%); highest among the groups gnomAD compares: East Asian, 0.0023%; no homozygotes.

Submissions (3):

Labcorp Genetics (formerly Invitae), Labcorp
Classification: Uncertain significance for Cystic fibrosis. Last evaluated: 2025-06-16. Review status: criteria provided, single submitter. Criteria: Invitae Variant Classification Sherloc (09022015). Collection method: clinical testing. Allele origin: germline.
Comment: This sequence change replaces aspartic acid, which is acidic and polar, with asparagine, which is neutral and polar, at codon 828 of the CFTR protein (p.Asp828Asn). The frequency data for this variant in the population databases is considered unreliable, as metrics indicate poor data quality at this position in the gnomAD database. This variant has not been reported in the literature in individuals affected with CFTR-related conditions. ClinVar contains an entry for this variant (Variation ID: 965432). Invitae Evidence Modeling of protein sequence and biophysical properties (such as structural, functional, and spatial information, amino acid conservation, physicochemical variation, residue mobility, and thermodynamic stability) indicates that this missense variant is not expected to disrupt CFTR protein function with a negative predictive value of 80%. In summary, the available evidence is currently insufficient to determine the role of this variant in disease. Therefore, it has been classified as a Variant of Uncertain Significance.

Ambry Genetics
Classification: Uncertain significance for Cystic fibrosis. Last evaluated: 2023-02-13. Review status: criteria provided, single submitter. Criteria: Ambry Variant Classification Scheme 2023. Collection method: clinical testing. Allele origin: germline.
Comment: The p.D828N variant (also known as c.2482G>A), located in coding exon 14 of the CFTR gene, results from a G to A substitution at nucleotide position 2482. The aspartic acid at codon 828 is replaced by asparagine, an amino acid with highly similar properties. This amino acid position is well conserved in available vertebrate species. In addition, the in silico prediction for this alteration is inconclusive. Since supporting evidence is limited at this time, the clinical significance of this alteration remains unclear.

Natera, Inc.
Classification: Uncertain significance for CFTR-related disorders. Last evaluated: 2018-09-13. Review status: no assertion criteria provided. Collection method: clinical testing. Allele origin: germline. Not counted in ClinVar's aggregate classification.

NM_000492.4(CFTR):c.2482G>A (p.Asp828Asn)

Gene: CFTR (CF transmembrane conductance regulator; plus strand). Cytogenetic location: 7q31.2.
Variant type: single nucleotide variant.
Coding change: c.2482G>A on transcript NM_000492.4 (MANE Select); coding-DNA position 2482, G replaced by A.
Protein change: p.Asp828Asn; replaces aspartic acid 828 with asparagine.
Molecular consequence: missense variant.
Genome position (GRCh38, 1-based): chr7:117,592,649, G>A. VCF-style: chr7-117592649-G-A. GRCh37 (hg19) VCF-style: chr7-117232703-G-A.
Other names: short protein forms D828N.
Identifiers: ClinVar variation 965432 (VCV000965432.8), dbSNP rs759726447, ClinGen allele CA4451188.
Genomic context (GRCh38, chr7:117,592,649, plus strand): 5'-TATTCAAGAAGGTTATCTCAAGAAACTGGCTTGGAAATAAGTGAAGAAATTAACGAAGAA[G>A]ACTTAAAGGTAGGTATACATCGCTTGGGGGTATTTCACCCCACAGAATGCAATTGAGTAG-3'
Protein context (NP_000483.3, residues 818-838): LEISEEINEE[Asp828Asn]LKECFFDDME